The following is an entry in ClinVar:

NM_001164508.2(NEB):c.9445_9460del (p.Arg3149fs)

Gene: NEB (nebulin; minus strand). Cytogenetic location: 2q23.3.
Variant type: Deletion.
Coding change: c.9445_9460del on transcript NM_001164508.2 (MANE Select); coding-DNA positions 9445 to 9460, 16 bases deleted (AGAGGCATTGGCTGGG).
Protein change: p.Arg3149fs; shifts the reading frame from arginine 3149.
Molecular consequence: frameshift variant. On other transcripts: intron variant (1).
Genome position (GRCh38, 1-based): chr2:151,631,301-151,631,316, CCCAGCCAATGCCTCT deleted on the plus strand (AGAGGCATTGGCTGGG on the coding strand, the reverse complement: NEB is on the minus strand); deleting any 16 consecutive bases within chr2:151,631,301-151,631,317 gives the same sequence; the c. name uses the placement nearest the transcript's 3' end. VCF-style (leftmost placement, unchanged base first): chr2-151631300-ACCCAGCCAATGCCTCT-A. GRCh37 (hg19) VCF-style: chr2-152487814-ACCCAGCCAATGCCTCT-A.
Other names: c.9445_9460del, p.Arg3149fs (NM_001164507.2, NM_001271208.2); c.9444_9459del16, p.Arg3149Serfs (NM_001271208.1); c.8854-138_8854-123del (NM_004543.5); short protein forms R3149fs.
Identifiers: ClinVar variation 4058670 (VCV004058670.2).

ClinVar aggregate classification (germline): Likely pathogenic (1 of 4 stars; one submission).

Conditions:
Nemaline myopathy 2 (NEM2). Also called: Nemaline myopathy 2, autosomal recessive. Identifiers: MedGen C1850569, MONDO:0009725, OMIM 256030.

Submission:

Natera, Inc.
Classification: Likely pathogenic for Nemaline myopathy type 2. Last evaluated: 2025-03-06. Review status: criteria provided, single submitter. Criteria: Natera Variant Classification Schema (03/2026). Collection method: clinical testing. Allele origin: germline.
Comment: The c.9445_9460del variant in NEB is a frameshift variant predicted to shift the reading frame beginning at codon 3149 and leads to a stop codon 18 codons downstream. This variant is expected to result in nonsense mediated decay, truncation, or a dysfunctional protein product. This variant is rare in the general population with a frequency below the threshold expected for the associated phenotype(s). Given the available evidence, this variant is classified as Likely Pathogenic.